The following is an entry in ClinVar:

ClinVar aggregate classification (germline): Benign/Likely benign. Review status: criteria provided, multiple submitters, no conflicts (2 of 4 stars). 2 submissions from 2 submitters: Benign (1); Likely benign (1). Last evaluated 2026-09-29.

Conditions:
Neurofibromatosis, type 1 (NF1). Also called: NEUROFIBROMATOSIS, TYPE I, SOMATIC; Neurofibromatosis, type I; VON RECKLINGHAUSEN DISEASE; Peripheral type neurofibromatosis. Identifiers: Orphanet 636, MedGen C0027831, MONDO:0018975, OMIM 162200. Disease mechanism: loss of function.

Allele frequency attached by ClinVar (database versions not stated): TOPMed below 0.00001; gnomAD 0.00001.

Submissions (2):

Myriad Genetics, Inc.
Classification: Benign for Neurofibromatosis, type 1. Last evaluated: 2026-09-29. Review status: criteria provided, single submitter. Criteria: Myriad Autosomal Dominant, Autosomal Recessive and X-Linked Classification Criteria (2023). Collection method: clinical testing. Allele origin: unknown.
Comment: This variant is considered benign. This variant is a silent/synonymous amino acid change and it is not expected to impact splicing.

Labcorp Genetics (formerly Invitae), Labcorp
Classification: Likely benign for Neurofibromatosis, type 1. Last evaluated: 2022-04-12. Review status: criteria provided, single submitter. Criteria: Invitae Variant Classification Sherloc (09022015). Collection method: clinical testing. Allele origin: germline.

NM_001042492.3(NF1):c.7626A>G (p.Lys2542=)

Gene: NF1 (neurofibromin 1; plus strand). Cytogenetic location: 17q11.2.
Variant type: single nucleotide variant.
Coding change: c.7626A>G on transcript NM_001042492.3 (MANE Select); coding-DNA position 7626, A replaced by G.
Protein change: p.Lys2542=; no amino-acid change (lysine 2542 retained).
Molecular consequence: synonymous variant.
Genome position (GRCh38, 1-based): chr17:31,356,470, A>G. VCF-style: chr17-31356470-A-G. GRCh37 (hg19) VCF-style: chr17-29683488-A-G.
Other names: c.7563A>G, p.Lys2521= (NM_000267.4).
Identifiers: ClinVar variation 1665235 (VCV001665235.9), dbSNP rs1369187055, ClinGen allele CA499239339.